The following is an entry in ClinVar:

ClinVar aggregate classification (germline): Uncertain significance (1 of 4 stars; one submission).

Conditions:
TTN-related disorder. Also called: TTN-related disorders; TTN-related condition; TTN-related disease.

Submission:

PreventionGenetics, part of Exact Sciences
Classification: Uncertain significance for TTN-related condition. Last evaluated: 2024-11-19. Review status: criteria provided, single submitter. Criteria: ACMG Guidelines, 2015. Collection method: clinical testing. Allele origin: germline.
Comment: The TTN c.50614G>A variant is predicted to result in the amino acid substitution p.Ala16872Thr. To our knowledge, this variant has not been reported in the literature or in a large population database (gnomAD), indicating this variant is rare. At this time, the clinical significance of this variant is uncertain due to the absence of conclusive functional and genetic evidence.

NM_001267550.2(TTN):c.50614G>A (p.Ala16872Thr)

Genes: TTN (titin; minus strand), TTN-AS1 (TTN antisense RNA 1; plus strand). Cytogenetic location: 2q31.2.
Variant type: single nucleotide variant.
Coding change: c.50614G>A on transcript NM_001267550.2 (MANE Select); coding-DNA position 50614, G replaced by A.
Protein change: p.Ala16872Thr; replaces alanine 16872 with threonine.
Molecular consequence: missense variant.
Genome position (GRCh38, 1-based): chr2:178,611,615, C>T on the plus strand (G>A on the coding strand, the complement: TTN is on the minus strand). VCF-style: chr2-178611615-C-T. GRCh37 (hg19) VCF-style: chr2-179476342-C-T.
Other names: c.45691G>A, p.Ala15231Thr (NM_001256850.1); c.23419G>A, p.Ala7807Thr (NM_003319.4); c.42910G>A, p.Ala14304Thr (NM_133378.4); c.23794G>A, p.Ala7932Thr (NM_133432.3); c.23995G>A, p.Ala7999Thr (NM_133437.4); short protein forms A7807T, A7932T, A15231T, A7999T, A14304T, A16872T.
Identifiers: ClinVar variation 4989282 (VCV004989282.1).
Genomic context (GRCh38, chr2:178,611,615, plus strand): 5'-ACATTTCAACATGGTATCCTATGATAGGACTTCCACCATTTTTCTCTGGAGGCTTCCAAG[C>T]AATGGCAATGTGTTTTCTCCCAGCATCAGTCACATGTAGGTCAAGGGGTGGTGAGGGAGG-3'
Protein context (NP_001254479.2, residues 16862-16882): TDAGRKHIAI[Ala16872Thr]WKPPEKNGGS